The following is an entry in ClinVar:

ClinVar aggregate classification (germline): Benign/Likely benign. Review status: criteria provided, multiple submitters, no conflicts (2 of 4 stars). 2 submissions from 2 submitters: Benign (1); Likely benign (1). Last evaluated 2025-01-31.

Conditions:
Lynch syndrome 4 (LYNCH4). Also called: Colorectal cancer, hereditary nonpolyposis, type 4; Hereditary non-polyposis colorectal cancer, type 4. Identifiers: Orphanet 144, MedGen C1838333, MONDO:0013699, OMIM 614337. Disease mechanism: loss of function.
Hereditary nonpolyposis colorectal neoplasms. Identifiers: MedGen C0009405, MeSH D003123.

Submissions (2):

Myriad Genetics, Inc.
Classification: Benign for Lynch syndrome 4. Last evaluated: 2025-01-31. Review status: criteria provided, single submitter. Criteria: Myriad Autosomal Dominant, Autosomal Recessive and X-Linked Classification Criteria (2023). Collection method: clinical testing. Allele origin: unknown.
Comment: This variant is considered benign. This variant is a silent/synonymous amino acid change and it is not expected to impact splicing.

Labcorp Genetics (formerly Invitae), Labcorp
Classification: Likely benign for Hereditary nonpolyposis colorectal neoplasms. Last evaluated: 2023-10-16. Review status: criteria provided, single submitter. Criteria: Invitae Variant Classification Sherloc (09022015). Collection method: clinical testing. Allele origin: germline.

NM_000535.7(PMS2):c.1770T>A (p.Ile590=)

Gene: PMS2 (PMS1 homolog 2, mismatch repair system component; minus strand). Cytogenetic location: 7p22.1.
Variant type: single nucleotide variant.
Coding change: c.1770T>A on transcript NM_000535.7 (MANE Select); coding-DNA position 1770, T replaced by A.
Protein change: p.Ile590=; no amino-acid change (isoleucine 590 retained).
Molecular consequence: synonymous variant. On other transcripts: non-coding transcript variant (1), intron variant (1).
Genome position (GRCh38, 1-based): chr7:5,986,995, A>T on the plus strand (T>A on the coding strand, the complement: PMS2 is on the minus strand). VCF-style: chr7-5986995-A-T. GRCh37 (hg19) VCF-style: chr7-6026626-A-T.
Other names: c.1452T>A, p.Ile484= (NM_001406883.1, NM_001406903.1, NM_001322007.2 and 2 more transcripts); c.1446T>A, p.Ile482= (NM_001406884.1); c.1434T>A, p.Ile478= (NM_001406885.1); c.1404T>A, p.Ile468= (NM_001406886.1); c.1365T>A, p.Ile455= (NM_001406887.1, NM_001406888.1, NM_001406889.1 and 17 more transcripts); c.1305T>A, p.Ile435= (NM_001406900.1); c.1296T>A, p.Ile432= (NM_001406901.1, NM_001406902.1); c.1257T>A, p.Ile419= (NM_001406904.1, NM_001406905.1); and 13 more.
Identifiers: ClinVar variation 2878628 (VCV002878628.4), dbSNP rs2128723744, ClinGen allele CA453745948.